The following is an entry in ClinVar:

ClinVar aggregate classification (germline): Likely pathogenic (1 of 4 stars; one submission).

Conditions:
Dilated cardiomyopathy 1G (CMD1G). Identifiers: Orphanet 154, MedGen C1858763, MONDO:0011400, OMIM 604145.
Autosomal recessive limb-girdle muscular dystrophy type 2J (LGMDR10). Also called: Limb-girdle muscular dystrophy, type 2J; MUSCULAR DYSTROPHY, LIMB-GIRDLE, AUTOSOMAL RECESSIVE 10. Identifiers: Orphanet 140922, MedGen C1837342, MONDO:0012127, OMIM 608807.

Submission:

Labcorp Genetics (formerly Invitae), Labcorp
Classification: Likely pathogenic for Dilated cardiomyopathy 1G; Autosomal recessive limb-girdle muscular dystrophy type 2J. Last evaluated: 2024-08-21. Review status: criteria provided, single submitter. Criteria: Invitae Variant Classification Sherloc (09022015). Collection method: clinical testing. Allele origin: germline.
Comment: This sequence change creates a premature translational stop signal (p.Tyr28721Cysfs*9) in the TTN gene. While this is not anticipated to result in nonsense mediated decay, it is expected to create a truncated TTN protein. This variant is not present in population databases (gnomAD no frequency). This premature translational stop signal has been observed in individual(s) with dilated cardiomyopathy (PMID: 33996946). ClinVar contains an entry for this variant (Variation ID: 1525510). This variant is located in the A band of TTN (PMID: 25589632). Truncating variants in this region are significantly overrepresented in patients affected with dilated cardiomyopathy (PMID: 25589632). Truncating variants in this region have also been reported in individuals affected with autosomal recessive centronuclear myopathy (PMID: 23975875). In summary, the currently available evidence indicates that the variant is pathogenic, but additional data are needed to prove that conclusively. Therefore, this variant has been classified as Likely Pathogenic.

Literature cited by the submitters: PubMed 33996946; PubMed 25589632; PubMed 23975875.

NM_001267550.2(TTN):c.86162_86163del (p.Tyr28721fs)

Genes: TTN (titin; minus strand), TTN-AS1 (TTN antisense RNA 1; plus strand). Cytogenetic location: 2q31.2.
Variant type: Microsatellite.
Coding change: c.86162_86163del on transcript NM_001267550.2 (MANE Select); coding-DNA positions 86162 to 86163, 2 bases deleted (AT; older notation c.86162_86163delAT).
Protein change: p.Tyr28721fs; shifts the reading frame from tyrosine 28721.
Molecular consequence: frameshift variant.
Genome position (GRCh38, 1-based): chr2:178,559,969-178,559,970, AT deleted on the plus strand (AT on the coding strand, the reverse complement: TTN is on the minus strand); deleting any 2 consecutive bases within chr2:178,559,969-178,559,972 gives the same sequence; the c. name uses the placement nearest the transcript's 3' end. VCF-style (leftmost placement, unchanged base first): chr2-178559968-CAT-C. GRCh37 (hg19) VCF-style: chr2-179424695-CAT-C.
Other names: c.81239_81240del, p.Tyr27080fs (NM_001256850.1); c.58967_58968del, p.Tyr19656fs (NM_003319.4); c.78458_78459del, p.Tyr26153fs (NM_133378.4); c.59342_59343del, p.Tyr19781fs (NM_133432.3); c.59543_59544del, p.Tyr19848fs (NM_133437.4); short protein forms Y19656fs, Y19781fs, Y26153fs, Y28721fs, Y27080fs, Y19848fs.
Identifiers: ClinVar variation 1525510 (VCV001525510.6), dbSNP rs2154158304, ClinGen allele CA2580614445.